The following is an entry in ClinVar:

NM_001378454.1(ALMS1):c.10823G>A (p.Arg3608Gln)

Gene: ALMS1 (ALMS1 centrosome and basal body associated protein; plus strand). Cytogenetic location: 2p13.1.
Variant type: single nucleotide variant.
Coding change: c.10823G>A on transcript NM_001378454.1 (MANE Select); coding-DNA position 10823, G replaced by A.
Protein change: p.Arg3608Gln; replaces arginine 3608 with glutamine.
Molecular consequence: missense variant.
Genome position (GRCh38, 1-based): chr2:73,572,700, G>A. VCF-style: chr2-73572700-G-A. GRCh37 (hg19) VCF-style: chr2-73799827-G-A.
Other names: c.10826G>A, p.Arg3609Gln (NM_015120.4); short protein forms R3608Q, R3609Q.
Identifiers: ClinVar variation 1302229 (VCV001302229.8), dbSNP rs752052259, ClinGen allele CA1715065.
Genomic context (GRCh38, chr2:73,572,700, plus strand): 5'-CAGAGCAAACAACTCAGCACACTGTGAGTTTGAATGAACTGTGGAACAAGTATCGGGAGC[G>A]ACAGAGGCAACAGAGACAGCCTGAGTTGGGTGACAGGAAAGAACTGTCCTTGGTGGACCG-3'
Protein context (NP_001365383.1, residues 3598-3618): LNELWNKYRE[Arg3608Gln]QRQQRQPELG

ClinVar aggregate classification (germline): Uncertain significance. Review status: criteria provided, multiple submitters, no conflicts (2 of 4 stars). 5 submissions from 5 submitters: Uncertain significance (5). Last evaluated 2025-08-18.

Conditions:
Cardiovascular phenotype. Identifiers: MedGen CN230736.
Alstrom syndrome (ALMS). Identifiers: Orphanet 64, MedGen C0268425, MONDO:0008763, OMIM 203800.

Allele frequency attached by ClinVar (database versions not stated): ExAC 0.00002; gnomAD exomes 0.00002 and 0.00003; gnomAD 0.00003 and 0.00004; TOPMed 0.00004.
gnomAD v4.1: 34 of 1,613,908 alleles (0.0021%); highest among the groups gnomAD compares: Middle Eastern, 0.016%; no homozygotes.

Submissions (5):

Ambry Genetics
Classification: Uncertain significance for Cardiovascular phenotype. Last evaluated: 2025-08-18. Review status: criteria provided, single submitter. Criteria: Ambry Variant Classification Scheme 2023. Collection method: clinical testing. Allele origin: germline.
Comment: The p.R3609Q variant (also known as c.10826G>A), located in coding exon 16 of the ALMS1 gene, results from a G to A substitution at nucleotide position 10826. The arginine at codon 3609 is replaced by glutamine, an amino acid with highly similar properties. This amino acid position is poorly conserved in available vertebrate species. In addition, this alteration is predicted to be tolerated by in silico analysis. Based on the available evidence, the clinical significance of this variant remains unclear.

Blueprint Genetics
Classification: Uncertain significance. Last evaluated: 2024-06-28. Review status: criteria provided, single submitter. Criteria: ACMG Guidelines, 2015. Collection method: clinical testing. Allele origin: germline.

Fulgent Genetics
Classification: Uncertain significance for Alstrom syndrome. Last evaluated: 2022-01-27. Review status: criteria provided, single submitter. Criteria: ACMG Guidelines, 2015. Collection method: clinical testing. Allele origin: unknown.

Labcorp Genetics (formerly Invitae), Labcorp
Classification: Uncertain significance for Alstrom syndrome. Last evaluated: 2021-03-25. Review status: criteria provided, single submitter. Criteria: Invitae Variant Classification Sherloc (09022015). Collection method: clinical testing. Allele origin: germline.
Comment: This sequence change replaces arginine with glutamine at codon 3609 of the ALMS1 protein (p.Arg3609Gln). The arginine residue is highly conserved and there is a small physicochemical difference between arginine and glutamine. The frequency data for this variant in the population databases is considered unreliable, as metrics indicate poor data quality at this position in the ExAC database. This variant has not been reported in the literature in individuals with ALMS1-related conditions. Experimental studies and prediction algorithms are not available or were not evaluated, and the functional significance of this variant is currently unknown. In summary, the available evidence is currently insufficient to determine the role of this variant in disease. Therefore, it has been classified as a Variant of Uncertain Significance.

GeneDx
Classification: Uncertain significance. Last evaluated: 2019-04-04. Review status: criteria provided, single submitter. Criteria: GeneDx Variant Classification Process June 2021. Collection method: clinical testing. Allele origin: germline. Affected: yes.
Comment: Has not been previously published as pathogenic or benign to our knowledge; Observed in 6/24,002 (0.025%) alleles from individuals of African background in large population cohorts (Lek et al., 2016); In silico analysis, which includes protein predictors and evolutionary conservation, supports that this variant does not alter protein structure/function